The following is an entry in ClinVar:

ClinVar aggregate classification (germline): Benign. Review status: criteria provided, multiple submitters, no conflicts (2 of 4 stars). 16 submissions from 14 submitters: Benign (14). 2 of the submissions do not count toward it. Last evaluated 2026-02-04.

Conditions:
MYH9-related disorder. Identifiers: MedGen C1854520.
Atypical hemolytic-uremic syndrome. Identifiers: Orphanet 2134, MedGen C2931788, MONDO:0016244.
Autosomal dominant nonsyndromic hearing loss 17. Also called: Deafness, autosomal dominant 17; Autosomal dominant nonsyndromic deafness 17. Identifiers: Orphanet 90635, MedGen C1863659, MONDO:0011350, OMIM 603622.
Macrothrombocytopenia and granulocyte inclusions with or without nephritis or sensorineural hearing loss (MATINS). Also called: MAY-HEGGLIN ANOMALY; DOHLE LEUKOCYTE INCLUSIONS WITH GIANT PLATELETS; MACROTHROMBOCYTOPENIA WITH LEUKOCYTE INCLUSIONS; MYH9-Related Disease (MYH9-RD); SEBASTIAN PLATELET SYNDROME; MACROTHROMBOCYTOPENIA WITH DISPERSED LEUKOCYTIC INCLUSIONS. Identifiers: Orphanet 182050, MedGen C5200934, MONDO:0015912, OMIM 155100.

Allele frequency attached by ClinVar (database versions not stated): ESP Exome Variant Server 0.75550; 1000 Genomes Project 0.76078; TOPMed 0.76764; gnomAD 0.77118 and 0.78030; ExAC 0.87139; gnomAD exomes 0.87995 and 0.90103.
gnomAD v4.1: 1,434,771 of 1,613,564 alleles (89%); highest among the groups gnomAD compares: Admixed American, 92%; 646,181 homozygotes.

Submissions (16):

Labcorp Genetics (formerly Invitae), Labcorp
Classification: Benign. Last evaluated: 2026-02-04. Review status: criteria provided, single submitter. Criteria: Invitae Variant Classification Sherloc (09022015). Collection method: clinical testing. Allele origin: germline.

Mayo Clinic Laboratories, Mayo Clinic
Classification: Benign. Last evaluated: 2025-07-29. Review status: criteria provided, single submitter. Criteria: ACMG Guidelines, 2015. Collection method: clinical testing. Allele origin: germline. Observed: 1,021 variant alleles.
Comment: BA1, BP4, BP7

ARUP Laboratories, Molecular Genetics and Genomics, ARUP Laboratories
Classification: Benign. Last evaluated: 2025-07-28. Review status: criteria provided, single submitter. Criteria: ARUP Molecular Germline Variant Investigation Process 2024. Collection method: clinical testing. Allele origin: germline.

Blueprint Genetics
Classification: Benign. Last evaluated: 2024-11-28. Review status: criteria provided, single submitter. Criteria: ACMG Guidelines, 2015. Collection method: clinical testing. Allele origin: germline.

Unidad de Genómica Garrahan, Hospital de Pediatría Garrahan
Classification: Benign. Last evaluated: 2024-07-15. Review status: criteria provided, single submitter. Criteria: ACMG Guidelines, 2015. Collection method: clinical testing. Allele origin: germline. Affected: no. Observed: 93 variant alleles.
Comment: This variant is classified as Benign based on local population frequency. This variant was detected in 100% of patients studied in a panel designed for Epileptic and Developmental Encephalopathy and Progressive Myoclonus Epilepsy. Number of patients: 93. Only high quality variants are reported.

Genome Diagnostics Laboratory, The Hospital for Sick Children
Classification: Benign for Atypical hemolytic-uremic syndrome. Last evaluated: 2022-10-05. Review status: criteria provided, single submitter. Criteria: ACMG Guidelines, 2015. Collection method: clinical testing. Allele origin: germline.

Genome-Nilou Lab
Classification: Benign for Autosomal dominant nonsyndromic hearing loss 17. Last evaluated: 2021-09-05. Review status: criteria provided, single submitter. Criteria: ACMG Guidelines, 2015. Collection method: clinical testing. Allele origin: germline. Affected: no.

Genome-Nilou Lab
Classification: Benign for Macrothrombocytopenia and granulocyte inclusions with or without nephritis or sensorineural hearing loss. Last evaluated: 2021-09-05. Review status: criteria provided, single submitter. Criteria: ACMG Guidelines, 2015. Collection method: clinical testing. Allele origin: germline. Affected: no.

Illumina Laboratory Services, Illumina
Classification: Benign for MYH9-related disorder. Last evaluated: 2018-01-12. Review status: criteria provided, single submitter. Criteria: ICSL Variant Classification Criteria 13 December 2019. Collection method: clinical testing. Allele origin: germline.
Comment: This variant was observed in the ICSL laboratory as part of a predisposition screen in an ostensibly healthy population. It had not been previously curated by ICSL or reported in the Human Gene Mutation Database (HGMD: prior to June 1st, 2018), and was therefore a candidate for classification through an automated scoring system. Utilizing variant allele frequency, disease prevalence and penetrance estimates, and inheritance mode, an automated score was calculated to assess if this variant is too frequent to cause the disease. Based on the score and internal cut-off values, a variant classified as benign is not then subjected to further curation. The score for this variant resulted in a classification of benign for this disease.

Illumina Laboratory Services, Illumina
Classification: Benign for Autosomal dominant nonsyndromic hearing loss 17. Last evaluated: 2018-01-12. Review status: criteria provided, single submitter. Criteria: ICSL Variant Classification Criteria 13 December 2019. Collection method: clinical testing. Allele origin: germline.
Comment: the same text as in the submission from Illumina Laboratory Services, Illumina above.

GeneDx
Classification: Benign. Last evaluated: 2017-05-09. Review status: criteria provided, single submitter. Criteria: GeneDx Variant Classification (06012015). Collection method: clinical testing. Allele origin: germline. Affected: yes.
Comment: This variant is considered likely benign or benign based on one or more of the following criteria: it is a conservative change, it occurs at a poorly conserved position in the protein, it is predicted to be benign by multiple in silico algorithms, and/or has population frequency not consistent with disease.

Laboratory for Molecular Medicine, Mass General Brigham Personalized Medicine
Classification: Benign. Last evaluated: 2012-05-07. Review status: criteria provided, single submitter. Criteria: LMM Criteria. Collection method: clinical testing. Allele origin: germline. Observed: 1,392 variant alleles.
Comment: 1728+10G>A in Intron 14 of MYH9: This variant is not expected to have clinical s ignificance because it is not located within the conserved splice consensus sequ ence and has been identified in 45.9% (1716/3738) of African American chromosome s from a broad population by the NHLBI Exome Sequencing Project (dbSNP rs2413396).

Breakthrough Genomics
Classification: Benign. Review status: criteria provided, single submitter. Criteria: ACMG Guidelines, 2015. Collection method: not provided. Allele origin: germline. Inheritance: Autosomal dominant inheritance. Affected: yes.

PreventionGenetics, part of Exact Sciences
Classification: Benign. Review status: criteria provided, single submitter. Criteria: ACMG Guidelines, 2015. Collection method: clinical testing. Allele origin: germline.

Diagnostic Laboratory, Department of Genetics, University Medical Center Groningen
Classification: Benign. Review status: no assertion criteria provided. Collection method: clinical testing. Allele origin: germline. Affected: yes. Study: VKGL Data-share Consensus. Not counted in ClinVar's aggregate classification.

Joint Genome Diagnostic Labs from Nijmegen and Maastricht, Radboudumc and MUMC+
Classification: Benign. Review status: no assertion criteria provided. Collection method: clinical testing. Allele origin: germline. Affected: yes. Study: VKGL Data-share Consensus. Not counted in ClinVar's aggregate classification.

NM_002473.6(MYH9):c.1728+10G>A

Gene: MYH9 (myosin heavy chain 9; minus strand). Cytogenetic location: 22q12.3.
Variant type: single nucleotide variant.
Coding change: c.1728+10G>A on transcript NM_002473.6 (MANE Select); 10 bases into the intron after coding-DNA position 1728, G replaced by A.
Molecular consequence: intron variant.
Genome position (GRCh38, 1-based): chr22:36,312,039, C>T on the plus strand (G>A on the coding strand, the complement: MYH9 is on the minus strand). VCF-style: chr22-36312039-C-T. GRCh37 (hg19) VCF-style: chr22-36708084-C-T.
Other names: p.?; c.1728+10G>A (NM_002473.5).
Identifiers: ClinVar variation 44551 (VCV000044551.45), dbSNP rs2413396, ClinGen allele CA134513.